The following is an entry in ClinVar:

NM_138459.5(NUS1):c.577C>G (p.Pro193Ala)

Gene: NUS1 (NUS1 dehydrodolichyl diphosphate synthase subunit; plus strand). Cytogenetic location: 6q22.1.
Variant type: single nucleotide variant.
Coding change: c.577C>G on transcript NM_138459.5 (MANE Select); coding-DNA position 577, C replaced by G.
Protein change: p.Pro193Ala; replaces proline 193 with alanine.
Molecular consequence: missense variant.
Genome position (GRCh38, 1-based): chr6:117,694,066, C>G. VCF-style: chr6-117694066-C-G. GRCh37 (hg19) VCF-style: chr6-118015229-C-G.
Other names: short protein forms P193A.
Identifiers: ClinVar variation 2768924 (VCV002768924.3), dbSNP rs1562179355, ClinGen allele CA365536978.
Genomic context (GRCh38, chr6:117,694,066, plus strand): 5'-ATACATTGTTTGTTTTTTCTTCCAGTTTTAAATTGCCATTTGGCAGTGAAGGTGCTGTCT[C>G]CGGAAGATGGAAAAGCAGATATTGTAAGAGCTGCTCAGGACTTTTGCCAGTTAGTAGCCC-3'
Protein context (NP_612468.1, residues 183-203): NCHLAVKVLS[Pro193Ala]EDGKADIVRA

ClinVar aggregate classification (germline): Uncertain significance (1 of 4 stars; one submission).

Conditions:
Congenital disorder of glycosylation, type Iaa. Also called: Congenital disorder of glycosylation, type 1aa. Identifiers: MedGen C4310727, MONDO:0014904, OMIM 617082.

Submission:

Labcorp Genetics (formerly Invitae), Labcorp
Classification: Uncertain significance for Congenital disorder of glycosylation, type Iaa. Last evaluated: 2023-10-16. Review status: criteria provided, single submitter. Criteria: Invitae Variant Classification Sherloc (09022015). Collection method: clinical testing. Allele origin: germline.
Comment: This sequence change replaces proline, which is neutral and non-polar, with alanine, which is neutral and non-polar, at codon 193 of the NUS1 protein (p.Pro193Ala). This variant is not present in population databases (gnomAD no frequency). This variant has not been reported in the literature in individuals affected with NUS1-related conditions. An algorithm developed to predict the effect of missense changes on protein structure and function (PolyPhen-2) suggests that this variant is likely to be tolerated. In summary, the available evidence is currently insufficient to determine the role of this variant in disease. Therefore, it has been classified as a Variant of Uncertain Significance.